The following is an entry in ClinVar:

NM_001042492.3(NF1):c.761A>G (p.Asp254Gly)

Gene: NF1 (neurofibromin 1; plus strand). Cytogenetic location: 17q11.2.
Variant type: single nucleotide variant.
Coding change: c.761A>G on transcript NM_001042492.3 (MANE Select); coding-DNA position 761, A replaced by G.
Protein change: p.Asp254Gly; replaces aspartic acid 254 with glycine.
Molecular consequence: missense variant.
Genome position (GRCh38, 1-based): chr17:31,182,538, A>G. VCF-style: chr17-31182538-A-G. GRCh37 (hg19) VCF-style: chr17-29509556-A-G.
Other names: c.761A>G, p.Asp254Gly (NM_000267.4, NM_001128147.3); short protein forms D254G.
Identifiers: ClinVar variation 996492 (VCV000996492.4), dbSNP rs2066156209, ClinGen allele CA398990679.
Genomic context (GRCh38, chr17:31,182,538, plus strand): 5'-ATAATGTCATTTAATATATTTTTCATGCAGAATGTGCAGAAAAGCTATTTGACTTGGTGG[A>G]TGGTTTTGCTGAAAGCACCAAACGTAAAGCAGCAGTTTGGCCACTACAAATCATTCTCCT-3'
Protein context (NP_001035957.1, residues 244-264): ECAEKLFDLV[Asp254Gly]GFAESTKRKA

ClinVar aggregate classification (germline): Uncertain significance. Review status: criteria provided, multiple submitters, no conflicts (2 of 4 stars). 2 submissions from 2 submitters: Uncertain significance (2). Last evaluated 2023-09-01.

Conditions:
Neurofibromatosis, type 1 (NF1). Also called: Neurofibromatosis, type I; VON RECKLINGHAUSEN DISEASE; NEUROFIBROMATOSIS, TYPE I, SOMATIC; Peripheral type neurofibromatosis. Identifiers: Orphanet 636, MedGen C0027831, MONDO:0018975, OMIM 162200. Disease mechanism: loss of function.
Hereditary cancer-predisposing syndrome. Also called: Neoplastic Syndromes, Hereditary; Hereditary neoplastic syndrome; Hereditary Cancer Syndrome; Tumor predisposition. Identifiers: Orphanet 140162, MedGen C0027672, MeSH D009386, MONDO:0015356.
Cardiovascular phenotype. Identifiers: MedGen CN230736.

Submissions (2):

Ambry Genetics
Classification: Uncertain significance for Cardiovascular phenotype; Hereditary cancer-predisposing syndrome. Last evaluated: 2023-09-01. Review status: criteria provided, single submitter. Criteria: Ambry Variant Classification Scheme 2023. Collection method: clinical testing. Allele origin: germline.
Comment: The p.D254G variant (also known as c.761A>G), located in coding exon 8 of the NF1 gene, results from an A to G substitution at nucleotide position 761. The aspartic acid at codon 254 is replaced by glycine, an amino acid with similar properties. This amino acid position is highly conserved in available vertebrate species. In addition, this alteration is predicted to be deleterious by in silico analysis. Since supporting evidence is limited at this time, the clinical significance of this alteration remains unclear.

Genome Diagnostics Laboratory, The Hospital for Sick Children
Classification: Uncertain significance for Neurofibromatosis, type 1. Last evaluated: 2020-10-26. Review status: criteria provided, single submitter. Criteria: ACMG Guidelines, 2015. Collection method: clinical testing. Allele origin: germline. Affected: yes.